The following is an entry in ClinVar:

NM_000419.5(ITGA2B):c.1220T>G (p.Val407Gly)

Gene: ITGA2B (integrin subunit alpha 2b; minus strand). Cytogenetic location: 17q21.31.
Variant type: single nucleotide variant.
Coding change: c.1220T>G on transcript NM_000419.5 (MANE Select); coding-DNA position 1220, T replaced by G.
Protein change: p.Val407Gly; replaces valine 407 with glycine.
Molecular consequence: missense variant.
Genome position (GRCh38, 1-based): chr17:44,381,052, A>C on the plus strand (T>G on the coding strand, the complement: ITGA2B is on the minus strand). VCF-style: chr17-44381052-A-C. GRCh37 (hg19) VCF-style: chr17-42458420-A-C.
Other names: short protein forms V407G.
Identifiers: ClinVar variation 2760097 (VCV002760097.3), dbSNP rs2510080647, ClinGen allele CA399803801.

ClinVar aggregate classification (germline): Uncertain significance (1 of 4 stars; one submission).

Conditions:
Glanzmann thrombasthenia. Also called: BLEEDING DISORDER, PLATELET-TYPE, 2; THROMBASTHENIA OF GLANZMANN AND NAEGELI; PLATELET GLYCOPROTEIN IIb-IIIa DEFICIENCY; Thrombasthenia; Glanzmann's thrombasthenia. Identifiers: Orphanet 849, MedGen C0040015, MONDO:0100326.

Submission:

Labcorp Genetics (formerly Invitae), Labcorp
Classification: Uncertain significance for Glanzmann thrombasthenia. Last evaluated: 2023-09-11. Review status: criteria provided, single submitter. Criteria: Invitae Variant Classification Sherloc (09022015). Collection method: clinical testing. Allele origin: germline.
Comment: In summary, the available evidence is currently insufficient to determine the role of this variant in disease. Therefore, it has been classified as a Variant of Uncertain Significance. This sequence change replaces valine, which is neutral and non-polar, with glycine, which is neutral and non-polar, at codon 407 of the ITGA2B protein (p.Val407Gly). This variant is not present in population databases (gnomAD no frequency). This missense change has been observed in individual(s) with clinical features of Glanzmann thrombasthenia (Invitae). Advanced modeling of protein sequence and biophysical properties (such as structural, functional, and spatial information, amino acid conservation, physicochemical variation, residue mobility, and thermodynamic stability) performed at Invitae indicates that this missense variant is expected to disrupt ITGA2B protein function.